The following is an entry in ClinVar:

ClinVar aggregate classification (germline): Uncertain significance (1 of 4 stars; one submission).

Allele frequency attached by ClinVar (database versions not stated): TOPMed below 0.00001; gnomAD 0.00001.

Submission:

Ambry Genetics
Classification: Uncertain significance. Last evaluated: 2024-05-31. Review status: criteria provided, single submitter. Criteria: Ambry Variant Classification Scheme 2023. Collection method: clinical testing. Allele origin: germline.
Comment: The p.G257S variant (also known as c.769G>A), located in coding exon 6 of the NQO1 gene, results from a G to A substitution at nucleotide position 769. The glycine at codon 257 is replaced by serine, an amino acid with similar properties. This amino acid position is conserved. In addition, this alteration is predicted to be tolerated by in silico analysis. Since supporting evidence is limited at this time, the clinical significance of this alteration remains unclear.

NM_000903.3(NQO1):c.769G>A (p.Gly257Ser)

Gene: NQO1 (NAD(P)H quinone dehydrogenase 1; minus strand). Cytogenetic location: 16q22.1.
Variant type: single nucleotide variant.
Coding change: c.769G>A on transcript NM_000903.3 (MANE Select); coding-DNA position 769, G replaced by A.
Protein change: p.Gly257Ser; replaces glycine 257 with serine.
Molecular consequence: missense variant.
Genome position (GRCh38, 1-based): chr16:69,711,032, C>T on the plus strand (G>A on the coding strand, the complement: NQO1 is on the minus strand). VCF-style: chr16-69711032-C-T. GRCh37 (hg19) VCF-style: chr16-69744935-C-T.
Other names: c.667G>A, p.Gly223Ser (NM_001025433.2); c.655G>A, p.Gly219Ser (NM_001025434.2); c.553G>A, p.Gly185Ser (NM_001286137.2); short protein forms G219S, G185S, G223S, G257S.
Identifiers: ClinVar variation 1760183 (VCV001760183.3), dbSNP rs1352049440, ClinGen allele CA396487408.
Genomic context (GRCh38, chr16:69,711,032, plus strand): 5'-AATCTCATTTTCTAGCTTTGATCTGGTTGTCAGTTGGGATGGACTTGCCCAAGTGATGGC[C>T]CACAGAAAGGCCAAATTTCTTGTTTTTCTCCTCATCCTGTACCTCTTTTTTCATTAAGAA-3'
Protein context (NP_000894.1, residues 247-267): EKNKKFGLSV[Gly257Ser]HHLGKSIPTD